The following is an entry in ClinVar:

ClinVar aggregate classification (germline): Uncertain significance (1 of 4 stars; one submission).

Allele frequency attached by ClinVar (database versions not stated): TOPMed 0.00002; ExAC 0.00003; gnomAD 0.00003; gnomAD exomes 0.00002; ESP Exome Variant Server 0.00017.
gnomAD v4.1: 11 of 1,613,588 alleles (0.00068%); highest among the groups gnomAD compares: African/African-American, 0.011%; no homozygotes.

Submission:

Laboratory for Molecular Medicine, Mass General Brigham Personalized Medicine
Classification: Uncertain significance. Last evaluated: 2016-06-10. Review status: criteria provided, single submitter. Criteria: LMM Criteria. Collection method: clinical testing. Allele origin: germline. Observed: 1 variant allele.
Comment: Variant classified as Uncertain Significance - Favor Benign. The p.Val7430Ile va riant in TTN has not been previously reported in individuals with cardiomyopathy , but has been identified in 3/9796 African chromosomes by the Exome Aggregation Consortium (ExAC; dbSNP rs375710902). Valine (V al) at position 7430 is not conserved in mammals or evolutionarily distant speci es and one mammal (gibbon) and 14 bird species carry an isoleucine (Ile) at this position, supporting that this change may be tolerated. In summary, while the c linical significance of the p.Val7430Ile variant is uncertain, these data sugges t that it is more likely to be benign.

NM_001267550.2(TTN):c.26020G>A (p.Val8674Ile)

Gene: TTN (titin; minus strand). Cytogenetic location: 2q31.2.
Variant type: single nucleotide variant.
Coding change: c.26020G>A on transcript NM_001267550.2 (MANE Select); coding-DNA position 26020, G replaced by A.
Protein change: p.Val8674Ile; replaces valine 8674 with isoleucine.
Molecular consequence: missense variant. On other transcripts: intron variant (3).
Genome position (GRCh38, 1-based): chr2:178,715,166, C>T on the plus strand (G>A on the coding strand, the complement: TTN is on the minus strand). VCF-style: chr2-178715166-C-T. GRCh37 (hg19) VCF-style: chr2-179579893-C-T.
Other names: c.22288G>A, p.Val7430Ile (NM_133378.4); c.25069G>A, p.Val8357Ile (NM_001256850.1); c.13282+22916G>A (NM_003319.4); c.13858+22916G>A (NM_133437.4); c.13657+22916G>A (NM_133432.3); short protein forms V7430I, V8674I, V8357I.
Identifiers: ClinVar variation 504544 (VCV000504544.5), dbSNP rs375710902, ClinGen allele CA2000084.